The following is an entry in ClinVar:

NM_005236.3(ERCC4):c.1447_1450del (p.Arg483fs)

Gene: ERCC4 (ERCC excision repair 4, endonuclease catalytic subunit; plus strand). Cytogenetic location: 16p13.12.
Variant type: Microsatellite.
Coding change: c.1447_1450del on transcript NM_005236.3 (MANE Select); coding-DNA positions 1447 to 1450, 4 bases deleted (AGAA; older notation c.1447_1450delAGAA).
Protein change: p.Arg483fs; shifts the reading frame from arginine 483.
Molecular consequence: frameshift variant.
Genome position (GRCh38, 1-based): chr16:13,935,379-13,935,382, AGAA deleted; deleting any 4 consecutive bases within chr16:13,935,373-13,935,382 gives the same sequence; the c. name uses the placement nearest the transcript's 3' end. VCF-style (leftmost placement, unchanged base first): chr16-13935372-CAAAG-C. GRCh37 (hg19) VCF-style: chr16-14029229-CAAAG-C.
Other names: short protein forms R483fs.
Identifiers: ClinVar variation 2048716 (VCV002048716.4), dbSNP rs1355589374, ClinGen allele CA718297024.

ClinVar aggregate classification (germline): Pathogenic (1 of 4 stars; one submission).

Conditions:
Xeroderma pigmentosum, group F (XPF). Also called: XERODERMA PIGMENTOSUM, TYPE F; Xeroderma pigmentosum, type 6; XERODERMA PIGMENTOSUM, COMPLEMENTATION GROUP F; ERCC4-Related Xeroderma Pigmentosum; XERODERMA PIGMENTOSUM VI; XP, GROUP F. Identifiers: MedGen C0268140, MONDO:0010215, OMIM 278760.
Cockayne syndrome. Identifiers: Orphanet 191, MedGen C0009207, MONDO:0016006.
Fanconi anemia complementation group Q. Identifiers: Orphanet 84, MedGen C3808988, MONDO:0014108, OMIM 615272.

Submission:

Labcorp Genetics (formerly Invitae), Labcorp
Classification: Pathogenic for Fanconi anemia complementation group Q; Xeroderma pigmentosum, group F; Cockayne syndrome. Last evaluated: 2022-02-20. Review status: criteria provided, single submitter. Criteria: Invitae Variant Classification Sherloc (09022015). Collection method: clinical testing. Allele origin: germline.
Comment: For these reasons, this variant has been classified as Pathogenic. This variant has not been reported in the literature in individuals affected with ERCC4-related conditions. This variant is not present in population databases (gnomAD no frequency). This sequence change creates a premature translational stop signal (p.Arg483Profs*9) in the ERCC4 gene. It is expected to result in an absent or disrupted protein product. Loss-of-function variants in ERCC4 are known to be pathogenic (PMID: 9580660).

Literature cited by the submitters: PubMed 9580660.